The following is an entry in ClinVar:

ClinVar aggregate classification (germline): Conflicting classifications of pathogenicity. Review status: criteria provided, conflicting classifications (1 of 4 stars). 2 submissions from 2 submitters: Likely pathogenic (1); Uncertain significance (1). Last evaluated 2023-02-24.

Conditions:
Malignant hyperthermia, susceptibility to, 1 (MHS1). Also called: Malignant hyperthermia suceptibility 1; Anesthesia related hyperthermia; Malignant hyperpyrexia; Fulminating hyperpyrexia; Pharmacogenic myopathy; RYR1-Related Malignant Hyperthermia Susceptibility. Identifiers: Orphanet 423, MedGen C2930980, MONDO:0007783, OMIM 145600.
Myopathy. Identifiers: MedGen C0026848, MeSH D009135, MONDO:0005336, HP:0003198.

Allele frequency attached by ClinVar (database versions not stated): TOPMed below 0.00001; gnomAD 0.00001.

Submissions (2):

All of Us Research Program, National Institutes of Health
Classification: Uncertain significance for Malignant hyperthermia, susceptibility to, 1. Last evaluated: 2023-02-24. Review status: criteria provided, single submitter. Criteria: ACMG Guidelines, 2015. Collection method: clinical testing. Allele origin: germline. Inheritance: Autosomal dominant inheritance. Observed: 1 variant allele, 1 heterozygote.
Comment: This variant causes an insertion of 6 nucleotides and the in-frame insertion of 2 amino acids in the RYR1 protein. To our knowledge, functional studies have not been reported for this variant. This variant has not been reported in individuals affected with malignant hyperthermia susceptibility. This variant has not been identified in the general population by the Genome Aggregation Database (gnomAD). The available evidence is insufficient to determine the role of this variant in disease conclusively. Therefore, this variant is classified as a Variant of Uncertain Significance.

This study involves interpretation of variants in research participants for the purpose of population health screening. Participant phenotype was not available at the time of variant classification. Additional details can be found in publication PMID: 35346344, PMCID: PMC8962531

Genetic Services Laboratory, University of Chicago
Classification: Likely pathogenic for Myopathy. Last evaluated: 2015-05-28. Review status: criteria provided, single submitter. Criteria: ACMG Guidelines, 2015. Collection method: clinical testing. Allele origin: germline. Affected: yes.

NM_000540.3(RYR1):c.3235_3240dup (p.Ser1079_Tyr1080dup)

Gene: RYR1 (ryanodine receptor 1; plus strand). Cytogenetic location: 19q13.2.
Variant type: Duplication.
Coding change: c.3235_3240dup on transcript NM_000540.3 (MANE Select); coding-DNA positions 3235 to 3240, 6 bases duplicated (TCCTAT; older notation c.3235_3240dupTCCTAT).
Protein change: p.Ser1079_Tyr1080dup.
Molecular consequence: inframe insertion.
Genome position (GRCh38, 1-based): chr19:38,467,666-38,467,671, TCCTAT duplicated. VCF-style (leftmost placement, unchanged base first): chr19-38467665-A-ATCCTAT. GRCh37 (hg19) VCF-style: chr19-38958305-A-ATCCTAT.
Other names: c.3235_3240dup, p.Ser1079_Tyr1080dup (NM_001042723.2).
Identifiers: ClinVar variation 212102 (VCV000212102.7), dbSNP rs797045933, ClinGen allele CA207670.